The following is an entry in ClinVar:

NM_001130009.3(GEN1):c.1933A>G (p.Lys645Glu)

Gene: GEN1 (GEN1 Holliday junction 5' flap endonuclease; plus strand). Cytogenetic location: 2p24.2.
Variant type: single nucleotide variant.
Coding change: c.1933A>G on transcript NM_001130009.3 (MANE Select); coding-DNA position 1933, A replaced by G.
Protein change: p.Lys645Glu; replaces lysine 645 with glutamic acid.
Molecular consequence: missense variant.
Genome position (GRCh38, 1-based): chr2:17,781,145, A>G. VCF-style: chr2-17781145-A-G. GRCh37 (hg19) VCF-style: chr2-17962412-A-G.
Other names: c.1933A>G, p.Lys645Glu (NM_182625.5); short protein forms K645E.
Identifiers: ClinVar variation 4029310 (VCV004029310.1).

ClinVar aggregate classification (germline): Uncertain significance (1 of 4 stars; one submission).

gnomAD v4.1: 1 of 1,613,932 alleles (0.000062%); no homozygotes.

Submission:

Ambry Genetics
Classification: Uncertain significance. Last evaluated: 2025-05-19. Review status: criteria provided, single submitter. Criteria: Ambry Variant Classification Scheme 2023. Collection method: clinical testing. Allele origin: germline.
Comment: The p.K645E variant (also known as c.1933A>G), located in coding exon 13 of the GEN1 gene, results from an A to G substitution at nucleotide position 1933. The lysine at codon 645 is replaced by glutamic acid, an amino acid with similar properties. This amino acid position is conserved. In addition, this alteration is predicted to be tolerated by in silico analysis. Based on the available evidence, the clinical significance of this variant remains unclear.